The following is an entry in ClinVar:

ClinVar aggregate classification (germline): Likely pathogenic (1 of 4 stars; one submission).

Submission:

Labcorp Genetics (formerly Invitae), Labcorp
Classification: Likely pathogenic. Last evaluated: 2024-10-16. Review status: criteria provided, single submitter. Criteria: Invitae Variant Classification Sherloc (09022015). Collection method: clinical testing. Allele origin: germline.
Comment: This sequence change affects an acceptor splice site in intron 2 of the GPIHBP1 gene. It is expected to disrupt RNA splicing. Variants that disrupt the donor or acceptor splice site typically lead to a loss of protein function (PMID: 16199547), and loss-of-function variants in GPIHBP1 are known to be pathogenic (PMID: 21816778, 22008945). This variant is not present in population databases (gnomAD no frequency). This variant has not been reported in the literature in individuals affected with GPIHBP1-related conditions. Algorithms developed to predict the effect of sequence changes on RNA splicing suggest that this variant may disrupt the consensus splice site. In summary, the currently available evidence indicates that the variant is pathogenic, but additional data are needed to prove that conclusively. Therefore, this variant has been classified as Likely Pathogenic.

Literature cited by the submitters: PubMed 16199547; PubMed 21816778; PubMed 22008945.

NM_178172.6(GPIHBP1):c.182-2A>C

Gene: GPIHBP1 (glycosylphosphatidylinositol anchored high density lipoprotein binding protein 1; plus strand). Cytogenetic location: 8q24.3.
Variant type: single nucleotide variant.
Coding change: c.182-2A>C on transcript NM_178172.6 (MANE Select); the canonical splice acceptor site of the intron before coding-DNA position 182, A replaced by C.
Molecular consequence: splice acceptor variant.
Genome position (GRCh38, 1-based): chr8:143,215,011, A>C. VCF-style: chr8-143215011-A-C. GRCh37 (hg19) VCF-style: chr8-144296886-A-C.
Other names: c.182-2A>C (NM_001301772.2).
Identifiers: ClinVar variation 3681349 (VCV003681349.2).
Genomic context (GRCh38, chr8:143,215,011, plus strand): 5'-ACAGGGACGTGGGAGGAGACCCTGGGGGGCCCGGCCTCGGCCTGAGCCCGCCTTGTCCCC[A>C]GTGCTGCTGCGGTGCTACACCTGCAAGTCCCTGCCCAGGGACGAGCGCTGCAACCTGACG-3'